The following is an entry in ClinVar:

ClinVar aggregate classification (germline): Uncertain significance. Review status: criteria provided, multiple submitters, no conflicts (2 of 4 stars). 2 submissions from 2 submitters: Uncertain significance (2). Last evaluated 2024-12-02.

Conditions:
Lowe syndrome (OCRL). Also called: Oculocerebrorenal Syndrome; LOWE OCULOCEREBRORENAL SYNDROME; PHOSPHATIDYLINOSITOL 4,5-BISPHOSPHATE 5-PHOSPHATASE DEFICIENCY. Identifiers: Orphanet 534, MedGen C0028860, MONDO:0010645, OMIM 309000.
Dent disease type 2. Identifiers: Orphanet 1652, Orphanet 93623, MedGen C1845167, MONDO:0010359, OMIM 300555.

Allele frequency attached by ClinVar (database versions not stated): TOPMed below 0.00001.

Submissions (2):

Labcorp Genetics (formerly Invitae), Labcorp
Classification: Uncertain significance for Lowe syndrome. Last evaluated: 2024-12-02. Review status: criteria provided, single submitter. Criteria: Invitae Variant Classification Sherloc (09022015). Collection method: clinical testing. Allele origin: germline.
Comment: This sequence change replaces methionine, which is neutral and non-polar, with isoleucine, which is neutral and non-polar, at codon 187 of the OCRL protein (p.Met187Ile). This variant is not present in population databases (gnomAD no frequency). This variant has not been reported in the literature in individuals affected with OCRL-related conditions. ClinVar contains an entry for this variant (Variation ID: 1522154). An algorithm developed to predict the effect of missense changes on protein structure and function (PolyPhen-2) suggests that this variant is likely to be tolerated. In summary, the available evidence is currently insufficient to determine the role of this variant in disease. Therefore, it has been classified as a Variant of Uncertain Significance.

Fulgent Genetics
Classification: Uncertain significance for Dent disease type 2; Lowe syndrome. Last evaluated: 2021-09-23. Review status: criteria provided, single submitter. Criteria: ACMG Guidelines, 2015. Collection method: clinical testing. Allele origin: unknown.

NM_000276.4(OCRL):c.561G>A (p.Met187Ile)

Gene: OCRL (OCRL inositol polyphosphate-5-phosphatase; plus strand). Cytogenetic location: Xq26.1.
Variant type: single nucleotide variant.
Coding change: c.561G>A on transcript NM_000276.4 (MANE Select); coding-DNA position 561, G replaced by A.
Protein change: p.Met187Ile; replaces methionine 187 with isoleucine.
Molecular consequence: missense variant.
Genome position (GRCh38, 1-based): chrX:129,558,840, G>A. VCF-style: chrX-129558840-G-A. GRCh37 (hg19) VCF-style: chrX-128692817-G-A.
Other names: c.564G>A, p.Met188Ile (NM_001318784.2); c.561G>A, p.Met187Ile (NM_001587.4); short protein forms M188I, M187I.
Identifiers: ClinVar variation 1522154 (VCV001522154.7), dbSNP rs916507337, ClinGen allele CA335084422.